The following is an entry in ClinVar:

NM_005188.4(CBL):c.1736C>T (p.Pro579Leu)

Gene: CBL (Cbl proto-oncogene; plus strand). Cytogenetic location: 11q23.3.
Variant type: single nucleotide variant.
Coding change: c.1736C>T on transcript NM_005188.4 (MANE Select); coding-DNA position 1736, C replaced by T.
Protein change: p.Pro579Leu; replaces proline 579 with leucine.
Molecular consequence: missense variant.
Genome position (GRCh38, 1-based): chr11:119,285,361, C>T. VCF-style: chr11-119285361-C-T. GRCh37 (hg19) VCF-style: chr11-119156071-C-T.
Other names: short protein forms P579L.
Identifiers: ClinVar variation 3996039 (VCV003996039.1).

ClinVar aggregate classification (germline): Uncertain significance (1 of 4 stars; one submission).

Conditions:
Cardiovascular phenotype. Identifiers: MedGen CN230736.

gnomAD v4.1: 1 of 1,614,172 alleles (0.000062%); highest among the groups gnomAD compares: Admixed American, 0.0017%; no homozygotes.

Submission:

Ambry Genetics
Classification: Uncertain significance for Cardiovascular phenotype. Last evaluated: 2025-05-02. Review status: criteria provided, single submitter. Criteria: Ambry Variant Classification Scheme 2023. Collection method: clinical testing. Allele origin: germline.
Comment: The p.P579L variant (also known as c.1736C>T), located in coding exon 11 of the CBL gene, results from a C to T substitution at nucleotide position 1736. The proline at codon 579 is replaced by leucine, an amino acid with similar properties. This amino acid position is conserved. In addition, the in silico prediction for this alteration is inconclusive. Based on the available evidence, the clinical significance of this variant remains unclear.